The following is an entry in ClinVar:

ClinVar aggregate classification (germline): Likely benign. Review status: criteria provided, multiple submitters, no conflicts (2 of 4 stars). 2 submissions from 2 submitters: Likely benign (2). Last evaluated 2025-12-30.

Conditions:
MYO7A-related disorder. Also called: MYO7A-related disorders.

Allele frequency attached by ClinVar (database versions not stated): TOPMed 0.00002; gnomAD 0.00003; gnomAD exomes 0.00003; ExAC 0.00004.
gnomAD v4.1: 54 of 1,609,930 alleles (0.0034%); highest among the groups gnomAD compares: African/African-American, 0.008%; no homozygotes.

Submissions (2):

Labcorp Genetics (formerly Invitae), Labcorp
Classification: Likely benign. Last evaluated: 2025-12-30. Review status: criteria provided, single submitter. Criteria: Invitae Variant Classification Sherloc (09022015). Collection method: clinical testing. Allele origin: germline.

PreventionGenetics, part of Exact Sciences
Classification: Likely benign for MYO7A-related condition. Last evaluated: 2025-02-12. Review status: criteria provided, single submitter. Criteria: ACMG Guidelines, 2015. Collection method: clinical testing. Allele origin: germline.
Comment: This variant is classified as likely benign based on ACMG/AMP sequence variant interpretation guidelines (Richards et al. 2015 PMID: 25741868, with internal and published modifications).

NM_000260.4(MYO7A):c.4260C>T (p.Arg1420=)

Gene: MYO7A (myosin VIIA; plus strand). Cytogenetic location: 11q13.5.
Variant type: single nucleotide variant.
Coding change: c.4260C>T on transcript NM_000260.4 (MANE Select); coding-DNA position 4260, C replaced by T.
Protein change: p.Arg1420=; no amino-acid change (arginine 1420 retained).
Molecular consequence: synonymous variant.
Genome position (GRCh38, 1-based): chr11:77,194,461, C>T. VCF-style: chr11-77194461-C-T. GRCh37 (hg19) VCF-style: chr11-76905506-C-T.
Other names: c.4260C>T (NM_000260.3); c.4260C>T, p.Arg1420= (NM_001127180.2); c.4227C>T, p.Arg1409= (NM_001369365.1).
Identifiers: ClinVar variation 2199774 (VCV002199774.5), dbSNP rs757844017, ClinGen allele CA6198388.